The following is an entry in ClinVar:

ClinVar aggregate classification (germline): Uncertain significance (1 of 4 stars; one submission).

gnomAD v4.1: 1 of 1,019,624 alleles (0.000098%); highest among the groups gnomAD compares: African/African-American, 0.0018%; no homozygotes.

Submission:

GeneDx
Classification: Uncertain significance. Last evaluated: 2026-02-14. Review status: criteria provided, single submitter. Criteria: GeneDx Variant Classification Process June 2021. Collection method: clinical testing. Allele origin: germline.
Comment: Not observed at significant frequency in large population cohorts (gnomAD); Nonsense variant predicted to result in protein truncation or nonsense mediated decay in a gene or region of a gene for which loss of function is not a well-established mechanism of disease; Has not been previously published as pathogenic or benign to our knowledge

NM_001135649.3(FOXI3):c.111C>G (p.Tyr37Ter)

Gene: FOXI3 (forkhead box I3; minus strand). Cytogenetic location: 2p11.2.
Variant type: single nucleotide variant.
Coding change: c.111C>G on transcript NM_001135649.3 (MANE Select); coding-DNA position 111, C replaced by G.
Protein change: p.Tyr37Ter; replaces tyrosine 37 with a stop codon.
Molecular consequence: nonsense.
Genome position (GRCh38, 1-based): chr2:88,452,425, G>C on the plus strand (C>G on the coding strand, the complement: FOXI3 is on the minus strand). VCF-style: chr2-88452425-G-C. GRCh37 (hg19) VCF-style: chr2-88751943-G-C.
Other names: short protein forms Y37*.
Identifiers: ClinVar variation 4976136 (VCV004976136.1).